The following is an entry in ClinVar:

ClinVar aggregate classification (germline): Likely pathogenic (1 of 4 stars; one submission).

Conditions:
DBT-related disorder. Also called: DBT-related condition.

Submission:

PreventionGenetics, part of Exact Sciences
Classification: Likely pathogenic for DBT-related condition. Last evaluated: 2023-03-08. Review status: criteria provided, single submitter. Criteria: ACMG Guidelines, 2015. Collection method: clinical testing. Allele origin: germline.
Comment: The DBT c.1210-62_1220delinsATCTAAAAAAATAGATCA variant is predicted to result in an in-frame deletion and insertion. To our knowledge, this variant has not been reported in the literature or in a large population database, indicating this variant is rare. This variant is interpreted as likely pathogenic.

NM_001918.5(DBT):c.1210-62_1220delinsATCTAAAAAAATAGATCA

Gene: DBT (dihydrolipoamide branched chain transacylase E2; minus strand). Cytogenetic location: 1p21.2.
Variant type: Indel.
Coding change: c.1210-62_1220delinsATCTAAAAAAATAGATCA on transcript NM_001918.5 (MANE Select); 62 bases into the intron before coding-DNA position 1210 through coding-DNA position 1220, the reference bases replaced by ATCTAAAAAAATAGATCA.
Molecular consequence: splice acceptor variant.
Genome position (GRCh38, 1-based): chr1:100,206,291-100,206,363, 73 bases replaced. GRCh37 (hg19): chr1:100,671,847-100,671,919.
Other names: c.667-62_677delinsATCTAAAAAAATAGATCA (NM_001399972.1, NM_001399969.1).
Identifiers: ClinVar variation 2630373 (VCV002630373.1), dbSNP rs2524106517, ClinGen allele CA2695198091.